The following is an entry in ClinVar:

ClinVar aggregate classification (germline): Uncertain significance (1 of 4 stars; one submission).

Allele frequency attached by ClinVar (database versions not stated): gnomAD 0.00001; gnomAD exomes 0.00001 and 0.00003; TOPMed 0.00001.
gnomAD v4.1: 42 of 1,563,842 alleles (0.0027%); highest among the groups gnomAD compares: Non-Finnish European, 0.0034%; no homozygotes.

Submission:

Labcorp Genetics (formerly Invitae), Labcorp
Classification: Uncertain significance. Last evaluated: 2024-01-29. Review status: criteria provided, single submitter. Criteria: Invitae Variant Classification Sherloc (09022015). Collection method: clinical testing. Allele origin: germline.
Comment: This sequence change replaces serine, which is neutral and polar, with phenylalanine, which is neutral and non-polar, at codon 245 of the CNGB1 protein (p.Ser245Phe). This variant is present in population databases (rs754864375, gnomAD 0.003%). This variant has not been reported in the literature in individuals affected with CNGB1-related conditions. ClinVar contains an entry for this variant (Variation ID: 1478771). Advanced modeling of protein sequence and biophysical properties (such as structural, functional, and spatial information, amino acid conservation, physicochemical variation, residue mobility, and thermodynamic stability) performed at Invitae indicates that this missense variant is not expected to disrupt CNGB1 protein function with a negative predictive value of 95%. In summary, the available evidence is currently insufficient to determine the role of this variant in disease. Therefore, it has been classified as a Variant of Uncertain Significance.

NM_001297.5(CNGB1):c.734C>T (p.Ser245Phe)

Gene: CNGB1 (cyclic nucleotide gated channel subunit beta 1; minus strand). Cytogenetic location: 16q21.
Variant type: single nucleotide variant.
Coding change: c.734C>T on transcript NM_001297.5 (MANE Select); coding-DNA position 734, C replaced by T.
Protein change: p.Ser245Phe; replaces serine 245 with phenylalanine.
Molecular consequence: missense variant.
Genome position (GRCh38, 1-based): chr16:57,959,915, G>A on the plus strand (C>T on the coding strand, the complement: CNGB1 is on the minus strand). VCF-style: chr16-57959915-G-A. GRCh37 (hg19) VCF-style: chr16-57993819-G-A.
Other names: c.734C>T, p.Ser245Phe (NM_001135639.2); c.716C>T, p.Ser239Phe (NM_001286130.2); short protein forms S239F, S245F.
Identifiers: ClinVar variation 1478771 (VCV001478771.5), dbSNP rs754864375, ClinGen allele CA281624761.
Genomic context (GRCh38, chr16:57,959,915, plus strand): 5'-CTGGTGGGAGGCGCTGCATTGAGGGTGGCTCACCTGGCAGGGTCCCTGGTTGGTGGCAGG[G>A]AGGAGGTCTGGGCCTGGGAGCCGGGCTGGGGCTCTGGAGCTGGTGCCTCCTTGGGTTCCT-3'
Protein context (NP_001288.3, residues 235-255): PQPGSQAQTS[Ser245Phe]LPPTRDPARL